The following is an entry in ClinVar:

NM_201384.3(PLEC):c.9351_9352delinsTG (p.Gln3118Glu)

Gene: PLEC (plectin; minus strand). Cytogenetic location: 8q24.3.
Variant type: Indel.
Coding change: c.9351_9352delinsTG on transcript NM_201384.3 (MANE Select); coding-DNA positions 9351 to 9352, CC replaced by TG.
Protein change: p.Gln3118Glu; replaces glutamine 3118 with glutamic acid.
Molecular consequence: missense variant.
Genome position (GRCh38, 1-based): chr8:143,920,469-143,920,470, GG replaced by CA on the plus strand (CC replaced by TG on the coding strand, the reverse complement: PLEC is on the minus strand). VCF-style: chr8-143920469-GG-CA. GRCh37 (hg19) VCF-style: chr8-144994637-GG-CA.
Other names: c.9363_9364delinsTG, p.Gln3122Glu (NM_201383.3); c.9432_9433delinsTG, p.Gln3145Glu (NM_000445.5); c.6051_6052delinsTG, p.Gln2018Glu (NM_001410941.1); c.9309_9310delinsTG, p.Gln3104Glu (NM_201378.4); c.9285_9286delinsTG, p.Gln3096Glu (NM_201379.3); c.9762_9763delinsTG, p.Gln3255Glu (NM_201380.4); c.9255_9256delinsTG, p.Gln3086Glu (NM_201381.3); c.9351_9352delinsTG, p.Gln3118Glu (NM_201382.4); short protein forms Q3086E, Q3104E, Q3118E, Q2018E, Q3096E, Q3145E, Q3255E, Q3122E.
Identifiers: ClinVar variation 2942256 (VCV002942256.3), dbSNP rs2537367902, ClinGen allele CA2740095378.
Genomic context (GRCh38, chr8:143,920,469, plus strand): 5'-GCTGGGCGTCCAACAGGCGCAGGCCCTGCTCCCGGGGAATGAGGCCCTTCTTCAGGGCCT[GG>CA]AACAGGGAGACGCTCTGCCCTGTGTAGGGGTCCCTGTACCCTGTCACAGCCTTCTCGGCT-3'
Protein context (NP_958786.1, residues 3108-3128): PYTGQSVSLF[Gln3118Glu]ALKKGLIPRE

ClinVar aggregate classification (germline): Uncertain significance (1 of 4 stars; one submission).

Conditions:
Epidermolysis bullosa simplex with nail dystrophy (EBS5D). Identifiers: MedGen C4225309, MONDO:0014661, OMIM 616487.
Epidermolysis bullosa simplex, Ogna type (EBS5A). Also called: Pidermolysis bullosa simplex 5A, Ogna type; EPIDERMOLYSIS BULLOSA SIMPLEX 5A, OGNA TYPE. Identifiers: Orphanet 79401, MedGen C0432317, MONDO:0007555, OMIM 131950.
Autosomal recessive limb-girdle muscular dystrophy type 2Q (LGMDR17). Also called: MUSCULAR DYSTROPHY, LIMB-GIRDLE, AUTOSOMAL RECESSIVE 17. Identifiers: Orphanet 254361, MedGen C3150989, MONDO:0013390, OMIM 613723.
Epidermolysis bullosa simplex 5B, with muscular dystrophy (EBS5B). Also called: EPIDERMOLYSIS BULLOSA SIMPLEX AND LIMB-GIRDLE MUSCULAR DYSTROPHY; Epidermolysis bullosa simplex with muscular dystrophy. Identifiers: Orphanet 257, MedGen C2931072, MONDO:0009181, OMIM 226670.
Epidermolysis bullosa simplex 5C, with pyloric atresia (EBS5C). Also called: PLEC-Related Epidermolysis Bullosa with Pyloric Atresia; Epidermolysis bullosa simplex with pyloric atresia; PLEC1-Related Epidermolysis Bullosa with Pyloric Atresia. Identifiers: Orphanet 158684, MedGen C2677349, MONDO:0012807, OMIM 612138.

Submission:

Labcorp Genetics (formerly Invitae), Labcorp
Classification: Uncertain significance for Autosomal recessive limb-girdle muscular dystrophy type 2Q; Epidermolysis bullosa simplex, Ogna type; Epidermolysis bullosa simplex with nail dystrophy; Epidermolysis bullosa simplex 5C, with pyloric atresia; Epidermolysis bullosa simplex 5B, with muscular dystrophy. Last evaluated: 2022-12-12. Review status: criteria provided, single submitter. Criteria: Invitae Variant Classification Sherloc (09022015). Collection method: clinical testing. Allele origin: germline.
Comment: Experimental studies and prediction algorithms are not available or were not evaluated, and the functional significance of this variant is currently unknown. In summary, the available evidence is currently insufficient to determine the role of this variant in disease. Therefore, it has been classified as a Variant of Uncertain Significance. This variant has not been reported in the literature in individuals affected with PLEC-related conditions. Information on the frequency of this variant in the gnomAD database is not available, as this variant may be reported differently in the database. This sequence change replaces glutamine, which is neutral and polar, with glutamic acid, which is acidic and polar, at codon 3145 of the PLEC protein (p.Gln3145Glu).